The following is an entry in ClinVar:

ClinVar aggregate classification (germline): Uncertain significance (1 of 4 stars; one submission).

gnomAD v4.1: 1 of 1,604,814 alleles (0.000062%); no homozygotes.

Submission:

GeneDx
Classification: Uncertain significance. Last evaluated: 2024-04-12. Review status: criteria provided, single submitter. Criteria: GeneDx Variant Classification Process June 2021. Collection method: clinical testing. Allele origin: germline. Affected: yes.
Comment: Not observed at significant frequency in large population cohorts (gnomAD); Nonsense variant predicted to result in protein truncation as the last 201 amino acids are lost; Has not been previously published as pathogenic or benign to our knowledge

NM_001363066.2(CLDN5):c.54G>A (p.Trp18Ter)

Gene: CLDN5 (claudin 5; minus strand). Cytogenetic location: 22q11.21.
Variant type: single nucleotide variant.
Coding change: c.54G>A on transcript NM_001363066.2 (MANE Select); coding-DNA position 54, G replaced by A.
Protein change: p.Trp18Ter; replaces tryptophan 18 with a stop codon.
Molecular consequence: nonsense.
Genome position (GRCh38, 1-based): chr22:19,524,202, C>T on the plus strand (G>A on the coding strand, the complement: CLDN5 is on the minus strand). VCF-style: chr22-19524202-C-T. GRCh37 (hg19) VCF-style: chr22-19511725-C-T.
Other names: c.309G>A, p.Trp103Ter (NM_001130861.1, NM_001363067.2, NM_003277.4); short protein forms W103*, W18*.
Identifiers: ClinVar variation 3371932 (VCV003371932.1).